The following is an entry in ClinVar:

ClinVar aggregate classification (germline): Uncertain significance. Review status: criteria provided, multiple submitters, no conflicts (2 of 4 stars). 3 submissions from 3 submitters: Uncertain significance (3). Last evaluated 2025-12-08.

Conditions:
Fanconi anemia complementation group J. Also called: BRIP1-Related Fanconi Anemia. Identifiers: Orphanet 84, MedGen C1836860, MONDO:0012187, OMIM 609054.
Familial cancer of breast. Also called: Hereditary breast cancer; BREAST CANCER, FAMILIAL; hereditary breast carcinoma. Identifiers: Orphanet 227535, MedGen C0346153, MONDO:0016419, OMIM 114480. Disease mechanism: loss of function.
Hereditary cancer-predisposing syndrome. Also called: Tumor predisposition; Neoplastic Syndromes, Hereditary; Hereditary Cancer Syndrome; Hereditary neoplastic syndrome. Identifiers: Orphanet 140162, MedGen C0027672, MeSH D009386, MONDO:0015356.

Allele frequency attached by ClinVar (database versions not stated): gnomAD exomes below 0.00001.
gnomAD v4.1: 1 of 1,614,132 alleles (0.000062%); highest among the groups gnomAD compares: Non-Finnish European, 0.000085%; no homozygotes.

Submissions (3):

Labcorp Genetics (formerly Invitae), Labcorp
Classification: Uncertain significance for Familial cancer of breast; Fanconi anemia complementation group J. Last evaluated: 2025-12-08. Review status: criteria provided, single submitter. Criteria: Invitae Variant Classification Sherloc (09022015). Collection method: clinical testing. Allele origin: germline.
Comment: This sequence change replaces lysine, which is basic and polar, with asparagine, which is neutral and polar, at codon 656 of the BRIP1 protein (p.Lys656Asn). This variant is not present in population databases (gnomAD no frequency). This variant has not been reported in the literature in individuals affected with BRIP1-related conditions. ClinVar contains an entry for this variant (Variation ID: 418761). Invitae Evidence Modeling of protein sequence and biophysical properties (such as structural, functional, and spatial information, amino acid conservation, physicochemical variation, residue mobility, and thermodynamic stability) indicates that this missense variant is not expected to disrupt BRIP1 protein function with a negative predictive value of 95%. In summary, the available evidence is currently insufficient to determine the role of this variant in disease. Therefore, it has been classified as a Variant of Uncertain Significance.

Ambry Genetics
Classification: Uncertain significance for Hereditary cancer-predisposing syndrome. Last evaluated: 2023-06-10. Review status: criteria provided, single submitter. Criteria: Ambry Variant Classification Scheme 2023. Collection method: clinical testing. Allele origin: germline.
Comment: The p.K656N variant (also known as c.1968G>T), located in coding exon 13 of the BRIP1 gene, results from a G to T substitution at nucleotide position 1968. The lysine at codon 656 is replaced by asparagine, an amino acid with similar properties. This amino acid position is poorly conserved in available vertebrate species. In addition, this alteration is predicted to be tolerated by in silico analysis. Since supporting evidence is limited at this time, the clinical significance of this alteration remains unclear.

GeneDx
Classification: Uncertain significance. Last evaluated: 2015-03-27. Review status: criteria provided, single submitter. Criteria: GeneDx Variant Classification (06012015). Collection method: clinical testing. Allele origin: germline. Affected: yes.
Comment: This variant is denoted BRIP1 c.1968G>T at the cDNA level, p.Lys656Asn (K656N) at the protein level, and results in the change of a Lysine to an Asparagine (AAG>AAT). This variant has not, to our knowledge, been published in the literature as pathogenic or benign. BRIP1 Lys656Asn was not observed in approximately 6,500 individuals of European and African American ancestry in the NHLBI Exome Sequencing Project, indicating it is not a common benign variant in these populations. Since Lysine and Asparagine differ in some properties, this is considered a semi-conservative amino acid substitution. BRIP1 Lys656Asn occurs at a position that is not conserved across species and is located within the helicase domain (Cantor 2011). In silico analyses are inconsistent regarding the effect this variant may have on protein structure and function. Based on currently available information, it is unclear whether BRIP1 Lys656Asn is pathogenic or benign. We consider it to be a variant of uncertain significance.

NM_032043.3(BRIP1):c.1968G>T (p.Lys656Asn)

Gene: BRIP1 (BRCA1 interacting DNA helicase 1; minus strand). Cytogenetic location: 17q23.2.
Variant type: single nucleotide variant.
Coding change: c.1968G>T on transcript NM_032043.3 (MANE Select); coding-DNA position 1968, G replaced by T.
Protein change: p.Lys656Asn; replaces lysine 656 with asparagine.
Molecular consequence: missense variant.
Genome position (GRCh38, 1-based): chr17:61,776,530, C>A on the plus strand (G>T on the coding strand, the complement: BRIP1 is on the minus strand). VCF-style: chr17-61776530-C-A. GRCh37 (hg19) VCF-style: chr17-59853891-C-A.
Other names: short protein forms K656N.
Identifiers: ClinVar variation 418761 (VCV000418761.13), dbSNP rs1064793415, ClinGen allele CA16620524.
Genomic context (GRCh38, chr17:61,776,530, plus strand): 5'-CACTTCATCTTGGAACTCAAATGTTTCAGTATTCTGGAAGGTAGCACAGAGATTCCGACC[C>A]TTGGGGCCTGACCCAATGGTACCAACCCAAACCTAGAATATGAATATGTCATTATTAGAG-3'
Protein context (NP_114432.2, residues 646-666): VWVGTIGSGP[Lys656Asn]GRNLCATFQN